The following is an entry in ClinVar:

NM_001098.3(ACO2):c.1483-116G>A

Gene: ACO2 (aconitase 2; plus strand). Cytogenetic location: 22q13.2.
Variant type: single nucleotide variant.
Coding change: c.1483-116G>A on transcript NM_001098.3 (MANE Select); 116 bases into the intron before coding-DNA position 1483, G replaced by A.
Molecular consequence: intron variant.
Genome position (GRCh38, 1-based): chr22:41,524,730, G>A. VCF-style: chr22-41524730-G-A. GRCh37 (hg19) VCF-style: chr22-41920734-G-A.
Identifiers: ClinVar variation 677060 (VCV000677060.1), dbSNP rs192903315, ClinGen allele CA324580153.

ClinVar aggregate classification (germline): Likely benign (1 of 4 stars; one submission).

Allele frequency attached by ClinVar (database versions not stated): 1000 Genomes Project 0.00080; 1000 Genomes Project 30x 0.00094; TOPMed 0.00267; gnomAD 0.00352 and 0.00369; gnomAD exomes 0.00472.
gnomAD v4.1: 6,876 of 1,511,646 alleles (0.45%); highest among the groups gnomAD compares: Non-Finnish European, 0.52%; 26 homozygotes.

Submission:

GeneDx
Classification: Likely benign. Last evaluated: 2018-06-16. Review status: criteria provided, single submitter. Criteria: GeneDx Variant Classification (06012015). Collection method: clinical testing. Allele origin: germline. Affected: yes.
Comment: This variant is considered likely benign or benign based on one or more of the following criteria: it is a conservative change, it occurs at a poorly conserved position in the protein, it is predicted to be benign by multiple in silico algorithms, and/or has population frequency not consistent with disease.